The following is an entry in ClinVar:

NM_025114.4(CEP290):c.419A>G (p.Lys140Arg)

Gene: CEP290 (centrosomal protein 290; minus strand). Cytogenetic location: 12q21.32.
Variant type: single nucleotide variant.
Coding change: c.419A>G on transcript NM_025114.4 (MANE Select); coding-DNA position 419, A replaced by G.
Protein change: p.Lys140Arg; replaces lysine 140 with arginine.
Molecular consequence: missense variant.
Genome position (GRCh38, 1-based): chr12:88,136,665, T>C on the plus strand (A>G on the coding strand, the complement: CEP290 is on the minus strand). VCF-style: chr12-88136665-T-C. GRCh37 (hg19) VCF-style: chr12-88530442-T-C.
Other names: short protein forms K140R.
Identifiers: ClinVar variation 1518276 (VCV001518276.6), dbSNP rs750776051, ClinGen allele CA6712813.

ClinVar aggregate classification (germline): Uncertain significance (1 of 4 stars; one submission).

Conditions:
Nephronophthisis. Also called: Juvenile Nephronophthisis. Identifiers: Orphanet 655, MedGen C0687120, MONDO:0019005, HP:0000090.
Meckel-Gruber syndrome. Also called: DYSENCEPHALIA SPLANCHNOCYSTICA; GRUBER SYNDROME; Dysencephalia splachnocystica. Identifiers: Orphanet 564, MedGen C0265215, MONDO:0018921.
Joubert syndrome. Also called: CEREBELLOPARENCHYMAL DISORDER IV; JOUBERT-BOLTSHAUSER SYNDROME; Familial aplasia of the vermis. Identifiers: Orphanet 475, MedGen C5979921, MONDO:0018772.

Allele frequency attached by ClinVar (database versions not stated): ExAC 0.00001; gnomAD exomes 0.00001; TOPMed below 0.00001.
gnomAD v4.1: 7 of 1,613,766 alleles (0.00043%); highest among the groups gnomAD compares: Non-Finnish European, 0.00059%; no homozygotes.

Submission:

Labcorp Genetics (formerly Invitae), Labcorp
Classification: Uncertain significance for Joubert syndrome; Meckel-Gruber syndrome; Nephronophthisis. Last evaluated: 2023-11-27. Review status: criteria provided, single submitter. Criteria: Invitae Variant Classification Sherloc (09022015). Collection method: clinical testing. Allele origin: germline.
Comment: This sequence change replaces lysine, which is basic and polar, with arginine, which is basic and polar, at codon 140 of the CEP290 protein (p.Lys140Arg). This variant is present in population databases (rs750776051, gnomAD 0.002%). This variant has not been reported in the literature in individuals affected with CEP290-related conditions. ClinVar contains an entry for this variant (Variation ID: 1518276). Advanced modeling of protein sequence and biophysical properties (such as structural, functional, and spatial information, amino acid conservation, physicochemical variation, residue mobility, and thermodynamic stability) performed at Invitae indicates that this missense variant is not expected to disrupt CEP290 protein function with a negative predictive value of 80%. In summary, the available evidence is currently insufficient to determine the role of this variant in disease. Therefore, it has been classified as a Variant of Uncertain Significance.